The following is an entry in ClinVar:

NM_006206.6(PDGFRA):c.997A>G (p.Lys333Glu)

Gene: PDGFRA (platelet derived growth factor receptor alpha; plus strand). Cytogenetic location: 4q12.
Variant type: single nucleotide variant.
Coding change: c.997A>G on transcript NM_006206.6 (MANE Select); coding-DNA position 997, A replaced by G.
Protein change: p.Lys333Glu; replaces lysine 333 with glutamic acid.
Molecular consequence: missense variant.
Genome position (GRCh38, 1-based): chr4:54,267,617, A>G. VCF-style: chr4-54267617-A-G. GRCh37 (hg19) VCF-style: chr4-55133784-A-G.
Other names: c.997A>G, p.Lys333Glu (NM_001347827.2, NM_001347829.2); c.1072A>G, p.Lys358Glu (NM_001347828.2); c.1036A>G, p.Lys346Glu (NM_001347830.2); short protein forms K333E, K358E, K346E.
Identifiers: ClinVar variation 1919944 (VCV001919944.5), dbSNP rs1344465793, ClinGen allele CA356891573.
Genomic context (GRCh38, chr4:54,267,617, plus strand): 5'-GGTTTCATTGAAATCAAACCCACCTTCAGCCAGTTGGAAGCTGTCAACCTGCATGAAGTC[A>G]AACATTTTGTTGTAGAGGTGCGGGCCTACCCACCTCCCAGGATATCCTGGCTGAAAAACA-3'
Protein context (NP_006197.1, residues 323-343): QLEAVNLHEV[Lys333Glu]HFVVEVRAYP

ClinVar aggregate classification (germline): Uncertain significance (1 of 4 stars; one submission).

Conditions:
Gastrointestinal stromal tumor. Also called: Gastrointestinal stromal tumor, somatic; Gastrointestinal stroma tumor. Identifiers: Orphanet 44890, MedGen C0238198, MeSH D046152, MONDO:0011719, OMIM 606764, HP:0100723.

Submission:

Labcorp Genetics (formerly Invitae), Labcorp
Classification: Uncertain significance for Gastrointestinal stromal tumor. Last evaluated: 2023-12-09. Review status: criteria provided, single submitter. Criteria: Invitae Variant Classification Sherloc (09022015). Collection method: clinical testing. Allele origin: germline.
Comment: This sequence change replaces lysine, which is basic and polar, with glutamic acid, which is acidic and polar, at codon 333 of the PDGFRA protein (p.Lys333Glu). This variant is not present in population databases (gnomAD no frequency). This variant has not been reported in the literature in individuals affected with PDGFRA-related conditions. ClinVar contains an entry for this variant (Variation ID: 1919944). Advanced modeling of protein sequence and biophysical properties (such as structural, functional, and spatial information, amino acid conservation, physicochemical variation, residue mobility, and thermodynamic stability) performed at Invitae indicates that this missense variant is not expected to disrupt PDGFRA protein function with a negative predictive value of 80%. In summary, the available evidence is currently insufficient to determine the role of this variant in disease. Therefore, it has been classified as a Variant of Uncertain Significance.